The following is an entry in ClinVar:

NM_000090.4(COL3A1):c.691G>A (p.Gly231Arg)

Gene: COL3A1 (collagen type III alpha 1 chain; plus strand). Cytogenetic location: 2q32.2.
Variant type: single nucleotide variant.
Coding change: c.691G>A on transcript NM_000090.4 (MANE Select); coding-DNA position 691, G replaced by A.
Protein change: p.Gly231Arg; replaces glycine 231 with arginine.
Molecular consequence: missense variant.
Genome position (GRCh38, 1-based): chr2:188,990,096, G>A. VCF-style: chr2-188990096-G-A. GRCh37 (hg19) VCF-style: chr2-189854822-G-A.
Other names: short protein forms G231R.
Identifiers: ClinVar variation 4684981 (VCV004684981.1).
Genomic context (GRCh38, chr2:188,990,096, plus strand): 5'-TTGGCTACAATGTATTTTCTCATACATGAGCACCTACGTATTCTTTATTTCTCTACCTAG[G>A]GAGAATCAGGTAGACCCGGACGACCTGGAGAGCGAGGATTGCCTGGACCTCCAGTGAGTC-3'
Protein context (NP_000081.2, residues 221-241): IGPSGPAGKD[Gly231Arg]ESGRPGRPGE

ClinVar aggregate classification (germline): Likely pathogenic (1 of 4 stars; one submission).

Conditions:
Ehlers-Danlos syndrome, type 4 (EDSVASC). Also called: Ehlers-Danlos syndrome vascular type; Ehlers Danlos syndrome, ecchymotic type; Ehlers Danlos syndrome, arterial type; Ehlers Danlos syndrome, Sack-Barabas type; Ehlers-Danlos Syndrome Type IV. Identifiers: Orphanet 286, MedGen C0268338, MONDO:0017314, OMIM 130050.

Submission:

Institute of Human Genetics, Heidelberg University
Classification: Likely pathogenic for Ehlers-Danlos syndrome, type 4. Last evaluated: 2025-12-04. Review status: criteria provided, single submitter. Criteria: ACMG Guidelines, 2015. Collection method: clinical testing. Allele origin: unknown. Affected: yes. Observed: 1 variant allele.
Comment: PM1_s, PM5, PP3_mod, PM2_supp